The following is an entry in ClinVar:

NM_001377.3(DYNC2H1):c.5716A>G (p.Thr1906Ala)

Gene: DYNC2H1 (dynein cytoplasmic 2 heavy chain 1; plus strand). Cytogenetic location: 11q22.3.
Variant type: single nucleotide variant.
Coding change: c.5716A>G on transcript NM_001377.3 (MANE Select); coding-DNA position 5716, A replaced by G.
Protein change: p.Thr1906Ala; replaces threonine 1906 with alanine.
Molecular consequence: missense variant.
Genome position (GRCh38, 1-based): chr11:103,176,276, A>G. VCF-style: chr11-103176276-A-G. GRCh37 (hg19) VCF-style: chr11-103047005-A-G.
Other names: c.5716A>G, p.Thr1906Ala (NM_001080463.2); short protein forms T1906A.
Identifiers: ClinVar variation 3377677 (VCV003377677.1).

ClinVar aggregate classification (germline): Uncertain significance (1 of 4 stars; one submission).

Conditions:
Asphyxiating thoracic dystrophy 3. Also called: SHORT-RIB THORACIC DYSPLASIA 3 WITH OR WITHOUT POLYDACTYLY; POLYDACTYLY WITH NEONATAL CHONDRODYSTROPHY, TYPE I; SHORT-RIB THORACIC DYSPLASIA 3/6 WITH POLYDACTYLY, DIGENIC; Short rib polydactyly syndrome 2B; Saldino-Noonan Syndrome. Identifiers: Orphanet 474, Orphanet 93269, Orphanet 93270, Orphanet 93271, MedGen C0036069, MONDO:0013127, OMIM 613091.

Submission:

Neuberg Centre For Genomic Medicine, NCGM
Classification: Uncertain significance for Asphyxiating thoracic dystrophy 3. Review status: criteria provided, single submitter. Criteria: ACMG Guidelines, 2015. Collection method: clinical testing. Allele origin: germline. Inheritance: Autosomal recessive inheritance. Affected: yes.
Comment: The observed missense variant c.5716A>G(p.Thr1906Ala) in DYNC2H1 gene has not been reported previously as a pathogenic variant nor as a benign variant, to our knowledge. The c.5716A>G(p.Thr1906Ala) variant is absent in gnomAD Exomes.The amino acid Thr at position 1906 is changed to a Ala changing protein sequence and it might alter its composition and physico-chemical properties. Multiple lines of computational evidence (Polyphen-probably damaging, SIFT-damaging and Mutation Taster-disease causing) predict a damaging effect on protein structure and function for this variant. The reference amino acid p.Thr1906Ala in DYNC2H1 is predicted as conserved by GERP++ and PhyloP across 100 vertebrates. For these reasons, this variant has been classified as Uncertain Significance.